The following is an entry in ClinVar:

ClinVar aggregate classification (germline): Uncertain significance. Review status: criteria provided, multiple submitters, no conflicts (2 of 4 stars). 3 submissions from 3 submitters: Uncertain significance (2). 1 of the submissions does not count toward it. Last evaluated 2024-04-01.

Conditions:
Developmental delay, hypotonia, musculoskeletal defects, and behavioral abnormalities. Identifiers: MedGen C5562012, MONDO:0859202, OMIM 619595.
Floating-Harbor syndrome (FLHS). Also called: SRCAP-Related Floating-Harbor Syndrome; Short stature with delayed bone age, expressive language delay, a triangular face with a prominent nose and deep-set eyes; Pelletier-Leisti syndrome. Identifiers: Orphanet 2044, MedGen C0729582, MONDO:0007621, OMIM 136140.
46 XY differences of sex development. Also called: 46, XY disorder of sex development (DSD); 46,XY disorder of sex development. Identifiers: Orphanet 98085, MedGen C2751824, MONDO:0020040.

Allele frequency attached by ClinVar (database versions not stated): gnomAD exomes below 0.00001; ExAC 0.00001; gnomAD 0.00001.
gnomAD v4.1: 4 of 1,613,946 alleles (0.00025%); highest among the groups gnomAD compares: Middle Eastern, 0.016%; no homozygotes.

Submissions (3):

Fulgent Genetics
Classification: Uncertain significance for Floating-Harbor syndrome; Developmental delay, hypotonia, musculoskeletal defects, and behavioral abnormalities. Last evaluated: 2024-04-01. Review status: criteria provided, single submitter. Criteria: ACMG Guidelines, 2015. Collection method: clinical testing. Allele origin: germline.

Labcorp Genetics (formerly Invitae), Labcorp
Classification: Uncertain significance. Last evaluated: 2023-11-22. Review status: criteria provided, single submitter. Criteria: Invitae Variant Classification Sherloc (09022015). Collection method: clinical testing. Allele origin: germline.
Comment: This sequence change replaces arginine, which is basic and polar, with histidine, which is basic and polar, at codon 2381 of the SRCAP protein (p.Arg2381His). This variant is present in population databases (rs765139685, gnomAD 0.007%). This variant has not been reported in the literature in individuals affected with SRCAP-related conditions. ClinVar contains an entry for this variant (Variation ID: 2429356). Advanced modeling of protein sequence and biophysical properties (such as structural, functional, and spatial information, amino acid conservation, physicochemical variation, residue mobility, and thermodynamic stability) performed at Invitae indicates that this missense variant is not expected to disrupt SRCAP protein function with a negative predictive value of 80%. In summary, the available evidence is currently insufficient to determine the role of this variant in disease. Therefore, it has been classified as a Variant of Uncertain Significance.

Department for BioMedical Research, Inselspital, Bern University Hospital, University of Bern
Classification: Uncertain significance for 46 XY differences of sex development. Last evaluated: 2023-01-01. Review status: no assertion criteria provided. Collection method: research. Allele origin: unknown. Affected: yes. Observed: 1 heterozygote. Not counted in ClinVar's aggregate classification.

NM_006662.3(SRCAP):c.7142G>A (p.Arg2381His)

Gene: SRCAP (Snf2 related CREBBP activator protein; plus strand). Cytogenetic location: 16p11.2.
Variant type: single nucleotide variant.
Coding change: c.7142G>A on transcript NM_006662.3 (MANE Select); coding-DNA position 7142, G replaced by A.
Protein change: p.Arg2381His; replaces arginine 2381 with histidine.
Molecular consequence: missense variant.
Genome position (GRCh38, 1-based): chr16:30,737,182, G>A. VCF-style: chr16-30737182-G-A. GRCh37 (hg19) VCF-style: chr16-30748503-G-A.
Other names: short protein forms R2381H.
Identifiers: ClinVar variation 2429356 (VCV002429356.5), dbSNP rs765139685, ClinGen allele CA8012429.